The following is an entry in ClinVar:

ClinVar aggregate classification (germline): Uncertain significance (1 of 4 stars; one submission).

Allele frequency attached by ClinVar (database versions not stated): gnomAD exomes 0.00002; TOPMed 0.00003; gnomAD 0.00004; ESP Exome Variant Server 0.00008.
gnomAD v4.1: 33 of 1,614,012 alleles (0.002%); highest among the groups gnomAD compares: African/African-American, 0.008%; no homozygotes.

Submission:

Women's Health and Genetics/Laboratory Corporation of America, LabCorp
Classification: Uncertain significance. Last evaluated: 2023-07-26. Review status: criteria provided, single submitter. Criteria: LabCorp Variant Classification Summary - May 2015. Collection method: clinical testing. Allele origin: germline.
Comment: Variant summary: DDR2 c.779G>A (p.Arg260Gln) results in a conservative amino acid change in the encoded protein sequence. Four of five in-silico tools predict a benign effect of the variant on protein function. The variant allele was found at a frequency of 1.2e-05 in 251210 control chromosomes. The available data on variant occurrences in the general population are insufficient to allow any conclusion about variant significance. c.779G>A has been reported in the literature in individuals affected with early onset scoliosis (Zhao_2020). This report does not provide unequivocal conclusions about association of the variant with Spondyloepimetaphyseal dysplasia-short limb-abnormal calcification syndrome. To our knowledge, no experimental evidence demonstrating an impact on protein function has been reported. The following publication have been ascertained in the context of this evaluation (PMID: 32381727). No submitters have cited clinical-significance assessments for this variant to ClinVar after 2014. Based on the evidence outlined above, the variant was classified as uncertain significance.

Literature cited by the submitters: PubMed 32381727.

NM_006182.4(DDR2):c.779G>A (p.Arg260Gln)

Gene: DDR2 (discoidin domain receptor tyrosine kinase 2; plus strand). Cytogenetic location: 1q23.3.
Variant type: single nucleotide variant.
Coding change: c.779G>A on transcript NM_006182.4 (MANE Select); coding-DNA position 779, G replaced by A.
Protein change: p.Arg260Gln; replaces arginine 260 with glutamine.
Molecular consequence: missense variant.
Genome position (GRCh38, 1-based): chr1:162,759,903, G>A. VCF-style: chr1-162759903-G-A. GRCh37 (hg19) VCF-style: chr1-162729693-G-A.
Other names: c.779G>A, p.Arg260Gln (NM_001014796.3, NM_001354982.2, NM_001354983.2); short protein forms R260Q.
Identifiers: ClinVar variation 2577070 (VCV002577070.1), dbSNP rs139577393, ClinGen allele CA31800383.
Genomic context (GRCh38, chr1:162,759,903, plus strand): 5'-ACGATTTCACCCAGACCCATGAATACCACGTGTGGCCCGGCTATGACTATGTGGGCTGGC[G>A]GAACGAGAGTGCCACCAATGGCTACATTGAGATCATGTTTGAATTTGACCGCATCAGGAA-3'
Protein context (NP_006173.2, residues 250-270): VWPGYDYVGW[Arg260Gln]NESATNGYIE